The following is an entry in ClinVar:

ClinVar aggregate classification (germline): Uncertain significance (1 of 4 stars; one submission).

gnomAD v4.1: 1 of 1,600,712 alleles (0.000062%); highest among the groups gnomAD compares: Non-Finnish European, 0.000085%; no homozygotes.

Submission:

GeneDx
Classification: Uncertain significance. Last evaluated: 2022-01-21. Review status: criteria provided, single submitter. Criteria: GeneDx Variant Classification Process June 2021. Collection method: clinical testing. Allele origin: germline. Affected: yes.
Comment: Not observed at significant frequency in large population cohorts (gnomAD); In silico analysis supports that this missense variant has a deleterious effect on protein structure/function; Has not been previously published as pathogenic or benign to our knowledge

NM_005413.4(SIX3):c.657C>A (p.Ser219Arg)

Gene: SIX3 (SIX homeobox 3; plus strand). Cytogenetic location: 2p21.
Variant type: single nucleotide variant.
Coding change: c.657C>A on transcript NM_005413.4 (MANE Select); coding-DNA position 657, C replaced by A.
Protein change: p.Ser219Arg; replaces serine 219 with arginine.
Molecular consequence: missense variant.
Genome position (GRCh38, 1-based): chr2:44,942,761, C>A. VCF-style: chr2-44942761-C-A. GRCh37 (hg19) VCF-style: chr2-45169900-C-A.
Other names: short protein forms S219R.
Identifiers: ClinVar variation 1698029 (VCV001698029.2), dbSNP rs1666606463, ClinGen allele CA346800075.